The following is an entry in ClinVar:

NM_018417.6(ADCY10):c.1970T>G (p.Met657Arg)

Gene: ADCY10 (adenylate cyclase 10; minus strand). Cytogenetic location: 1q24.2.
Variant type: single nucleotide variant.
Coding change: c.1970T>G on transcript NM_018417.6 (MANE Select); coding-DNA position 1970, T replaced by G.
Protein change: p.Met657Arg; replaces methionine 657 with arginine.
Molecular consequence: missense variant.
Genome position (GRCh38, 1-based): chr1:167,856,366, A>C on the plus strand (T>G on the coding strand, the complement: ADCY10 is on the minus strand). VCF-style: chr1-167856366-A-C. GRCh37 (hg19) VCF-style: chr1-167825604-A-C.
Other names: c.1511T>G, p.Met504Arg (NM_001167749.3); c.1694T>G, p.Met565Arg (NM_001297772.2); short protein forms M657R, M565R, M504R.
Identifiers: ClinVar variation 1958075 (VCV001958075.5), dbSNP rs754556846, ClinGen allele CA343088861.

ClinVar aggregate classification (germline): Uncertain significance (1 of 4 stars; one submission).

Submission:

Labcorp Genetics (formerly Invitae), Labcorp
Classification: Uncertain significance. Last evaluated: 2022-06-12. Review status: criteria provided, single submitter. Criteria: Invitae Variant Classification Sherloc (09022015). Collection method: clinical testing. Allele origin: germline.
Comment: In summary, the available evidence is currently insufficient to determine the role of this variant in disease. Therefore, it has been classified as a Variant of Uncertain Significance. Algorithms developed to predict the effect of sequence changes on RNA splicing suggest that this variant may create or strengthen a splice site. Algorithms developed to predict the effect of missense changes on protein structure and function are either unavailable or do not agree on the potential impact of this missense change (SIFT: "Deleterious"; PolyPhen-2: "Possibly Damaging"; Align-GVGD: "Class C0"). This variant has not been reported in the literature in individuals affected with ADCY10-related conditions. This variant is not present in population databases (gnomAD no frequency). This sequence change replaces methionine, which is neutral and non-polar, with arginine, which is basic and polar, at codon 657 of the ADCY10 protein (p.Met657Arg).